The following is an entry in ClinVar:

NM_000548.5(TSC2):c.4572_4577dup

Gene: TSC2 (TSC complex subunit 2; plus strand). Cytogenetic location: 16p13.3.
Variant type: Microsatellite.
Coding change: c.4572_4577dup on transcript NM_000548.5 (MANE Select); coding-DNA positions 4572 to 4577, 6 bases duplicated (ACAGTC; older notation c.4572_4577dupACAGTC).
Molecular consequence: splice acceptor variant.
Genome position (GRCh38, 1-based): chr16:2,085,232-2,085,237, ACAGTC duplicated; duplicating any 6 consecutive bases within chr16:2,085,225-2,085,237 gives the same sequence; the c. name uses the placement nearest the transcript's 3' end. VCF-style (leftmost placement, unchanged base first): chr16-2085224-C-CCACAGT. GRCh37 (hg19) VCF-style: chr16-2135225-C-CCACAGT.
Identifiers: ClinVar variation 283148 (VCV000283148.19), ClinGen allele CA051851.

ClinVar aggregate classification (germline): Conflicting classifications of pathogenicity. Review status: criteria provided, conflicting classifications (1 of 4 stars). 5 submissions from 5 submitters: Uncertain significance (2); Likely benign (3). Last evaluated 2025-12-24.

Conditions:
Hereditary cancer-predisposing syndrome. Also called: Hereditary neoplastic syndrome; Neoplastic Syndromes, Hereditary; Tumor predisposition; Hereditary Cancer Syndrome. Identifiers: Orphanet 140162, MedGen C0027672, MeSH D009386, MONDO:0015356.
Tuberous sclerosis syndrome (TSC). Also called: Tuberous sclerosis; Tuberous Sclerosis Complex. Identifiers: Orphanet 805, MedGen C0041341, MONDO:0001734.
Tuberous sclerosis 2 (TSC2). Identifiers: Orphanet 805, MedGen C1860707, MONDO:0013199, OMIM 613254.

Submissions (5):

Labcorp Genetics (formerly Invitae), Labcorp
Classification: Likely benign for Tuberous sclerosis 2. Last evaluated: 2025-12-24. Review status: criteria provided, single submitter. Criteria: Invitae Variant Classification Sherloc (09022015). Collection method: clinical testing. Allele origin: germline.

Myriad Genetics, Inc.
Classification: Likely benign for Tuberous sclerosis 2. Last evaluated: 2024-08-23. Review status: criteria provided, single submitter. Criteria: Myriad Autosomal Dominant, Autosomal Recessive and X-Linked Classification Criteria (2023). Collection method: clinical testing. Allele origin: unknown.
Comment: This variant is considered likely benign. This variant has been observed at a population frequency that is significantly greater than expected given the associated disease prevalence and penetrance.

Color Diagnostics, LLC DBA Color Health
Classification: Uncertain significance for Tuberous sclerosis syndrome. Last evaluated: 2024-02-02. Review status: criteria provided, single submitter. Criteria: ACMG Guidelines, 2015. Collection method: clinical testing. Allele origin: germline.
Comment: This variant duplicates the 3' acceptor sites in intron 35 of the TSC2 gene. Use of this duplcate site would result in the duplication of two amino acids in exon 36, however RNA studies demonstrating this have not been published. To our knowledge, protein functional studies have not been reported for this variant. This variant has not been reported in individuals affected with TSC2-related disorders in the literature. This variant has been identified in 12/249730 chromosomes in the general population by the Genome Aggregation Database (gnomAD). The available evidence is insufficient to determine the role of this variant in disease conclusively. Therefore, this variant is classified as a Variant of Uncertain Significance.

Ambry Genetics
Classification: Likely benign for Hereditary cancer-predisposing syndrome. Last evaluated: 2023-06-12. Review status: criteria provided, single submitter. Criteria: Ambry General Variant Classification Scheme_2022. Collection method: clinical testing. Allele origin: germline.

Eurofins Ntd Llc (ga)
Classification: Uncertain significance. Last evaluated: 2015-09-18. Review status: criteria provided, single submitter. Criteria: EGL Classification Definitions. Collection method: clinical testing. Allele origin: germline. Observed: 1 variant allele.